The following is an entry in ClinVar:

NM_000548.5(TSC2):c.2273C>G (p.Ser758Cys)

Gene: TSC2 (TSC complex subunit 2; plus strand). Cytogenetic location: 16p13.3.
Variant type: single nucleotide variant.
Coding change: c.2273C>G on transcript NM_000548.5 (MANE Select); coding-DNA position 2273, C replaced by G.
Protein change: p.Ser758Cys; replaces serine 758 with cysteine.
Molecular consequence: missense variant.
Genome position (GRCh38, 1-based): chr16:2,072,901, C>G. VCF-style: chr16-2072901-C-G. GRCh37 (hg19) VCF-style: chr16-2122902-C-G.
Other names: p.Ser758Cys; c.2273C>G (NM_000548.4); c.2273C>G, p.Ser758Cys (NM_001077183.3, NM_001114382.3, NM_001363528.2 and 3 more transcripts); c.2162C>G, p.Ser721Cys (NM_001318827.2); c.2126C>G, p.Ser709Cys (NM_001318829.2); c.1673C>G, p.Ser558Cys (NM_001318831.2); c.2306C>G, p.Ser769Cys (NM_001318832.2); short protein forms S758C, S558C, S709C, S721C, S769C.
Identifiers: ClinVar variation 237986 (VCV000237986.25), dbSNP rs45517223, ClinGen allele CA10583307.

ClinVar aggregate classification (germline): Conflicting classifications of pathogenicity. Review status: criteria provided, conflicting classifications (1 of 4 stars). 8 submissions from 8 submitters: Uncertain significance (5); Likely benign (3). Last evaluated 2026-02-21.

Conditions:
TSC2-related disorder. Also called: TSC2-related condition; TSC2-Related Disorders.
Hereditary cancer-predisposing syndrome. Also called: Neoplastic Syndromes, Hereditary; Hereditary neoplastic syndrome; Hereditary Cancer Syndrome; Tumor predisposition. Identifiers: Orphanet 140162, MedGen C0027672, MeSH D009386, MONDO:0015356.
Tuberous sclerosis syndrome (TSC). Also called: Tuberous sclerosis; Tuberous Sclerosis Complex. Identifiers: Orphanet 805, MedGen C0041341, MONDO:0001734.
Tuberous sclerosis 2 (TSC2). Identifiers: Orphanet 805, MedGen C1860707, MONDO:0013199, OMIM 613254.

Allele frequency attached by ClinVar (database versions not stated): gnomAD 0.00001; gnomAD exomes 0.00002 and 0.00003; TOPMed 0.00002.
gnomAD v4.1: 11 of 1,613,540 alleles (0.00068%); highest among the groups gnomAD compares: Admixed American, 0.017%; no homozygotes.

Submissions (8):

PreventionGenetics, part of Exact Sciences
Classification: Uncertain significance for TSC2-related condition. Last evaluated: 2026-02-21. Review status: criteria provided, single submitter. Criteria: ACMG Guidelines, 2015. Collection method: clinical testing. Allele origin: germline.
Comment: The TSC2 c.2273C>G variant is predicted to result in the amino acid substitution p.Ser758Cys. To our knowledge, this variant has not been reported in the literature. This variant is reported in 0.023% of alleles in individuals of Latino descent in gnomAD. At this time, the clinical significance of this variant is uncertain due to the absence of conclusive functional and genetic evidence.

Labcorp Genetics (formerly Invitae), Labcorp
Classification: Likely benign for Tuberous sclerosis 2. Last evaluated: 2025-12-20. Review status: criteria provided, single submitter. Criteria: Invitae Variant Classification Sherloc (09022015). Collection method: clinical testing. Allele origin: germline.

Quest Diagnostics Nichols Institute San Juan Capistrano
Classification: Uncertain significance. Last evaluated: 2024-10-29. Review status: criteria provided, single submitter. Criteria: Quest Diagnostics criteria. Collection method: clinical testing. Allele origin: unknown.
Comment: The TSC2 c.2273C>G (p.Ser758Cys) variant has not been reported in individuals with TSC2-related conditions in the published literature. The frequency of this variant in the general population, 0.00023 (8/34582 chromosomes in Admixed American subpopulation (Genome Aggregation Database)), is higher than would generally be expected for pathogenic variants in this gene. Analysis of this variant using bioinformatics tools for the prediction of the effect of amino acid changes on protein structure and function yielded predictions that this variant is damaging. Based on the available information, we are unable to determine the clinical significance of this variant.

Color Diagnostics, LLC DBA Color Health
Classification: Uncertain significance for Tuberous sclerosis syndrome. Last evaluated: 2024-03-06. Review status: criteria provided, single submitter. Criteria: ACMG Guidelines, 2015. Collection method: clinical testing. Allele origin: germline.
Comment: This missense variant replaces serine with cysteine at codon 758 of the TSC2 protein. Computational prediction is inconclusive regarding the impact of this variant on protein structure and function. To our knowledge, functional studies have not been reported for this variant. This variant has not been reported in individuals affected with TSC2-related disorders in the literature. This variant has been identified in 8/251070 chromosomes in the general population by the Genome Aggregation Database (gnomAD). The available evidence is insufficient to determine the role of this variant in disease conclusively. Therefore, this variant is classified as a Variant of Uncertain Significance.

All of Us Research Program, National Institutes of Health
Classification: Uncertain significance for Tuberous sclerosis syndrome. Last evaluated: 2023-11-02. Review status: criteria provided, single submitter. Criteria: ACMG Guidelines, 2015. Collection method: clinical testing. Allele origin: germline. Inheritance: Autosomal dominant inheritance. Observed: 2 variant alleles, 2 heterozygotes.
Comment: This missense variant replaces serine with cysteine at codon 758 of the TSC2 protein. Computational prediction is inconclusive regarding the impact of this variant on protein structure and function (internally defined REVEL score threshold 0.5 < inconclusive < 0.7, PMID: 27666373). To our knowledge, functional studies have not been reported for this variant. This variant has not been reported in individuals affected with tuberous sclerosis complex in the literature. This variant has been identified in 8/251070 chromosomes in the general population by the Genome Aggregation Database (gnomAD). The available evidence is insufficient to determine the role of this variant in disease conclusively. Therefore, this variant is classified as a Variant of Uncertain Significance.

This study involves interpretation of variants in research participants for the purpose of population health screening. Participant phenotype was not available at the time of variant classification. Additional details can be found in publication PMID: 35346344, PMCID: PMC8962531

Mayo Clinic Laboratories, Mayo Clinic
Classification: Uncertain significance. Last evaluated: 2021-12-06. Review status: criteria provided, single submitter. Criteria: ACMG Guidelines, 2015. Collection method: clinical testing. Allele origin: germline.

Ambry Genetics
Classification: Likely benign for Hereditary cancer-predisposing syndrome. Last evaluated: 2021-12-02. Review status: criteria provided, single submitter. Criteria: Ambry Variant Classification Scheme 2023. Collection method: clinical testing. Allele origin: germline.

Genome-Nilou Lab
Classification: Likely benign for Tuberous sclerosis 2. Last evaluated: 2021-11-07. Review status: criteria provided, single submitter. Criteria: ACMG Guidelines, 2015. Collection method: clinical testing. Allele origin: germline. Affected: no.